The following is an entry in ClinVar:

ClinVar aggregate classification (germline): Uncertain significance (1 of 4 stars; one submission).

Conditions:
Hereditary cancer-predisposing syndrome. Also called: Tumor predisposition; Hereditary Cancer Syndrome; Hereditary neoplastic syndrome; Neoplastic Syndromes, Hereditary. Identifiers: Orphanet 140162, MedGen C0027672, MeSH D009386, MONDO:0015356.

Submission:

Ambry Genetics
Classification: Uncertain significance for Hereditary cancer-predisposing syndrome. Last evaluated: 2024-04-14. Review status: criteria provided, single submitter. Criteria: Ambry Variant Classification Scheme 2023. Collection method: clinical testing. Allele origin: germline.
Comment: The p.L729H variant (also known as c.2186T>A), located in coding exon 13 of the PMS2 gene, results from a T to A substitution at nucleotide position 2186. The leucine at codon 729 is replaced by histidine, an amino acid with similar properties. This amino acid position is conserved. In addition, this alteration is predicted to be deleterious by in silico analysis. Based on the available evidence, the clinical significance of this variant remains unclear.

NM_000535.7(PMS2):c.2186T>A (p.Leu729His)

Gene: PMS2 (PMS1 homolog 2, mismatch repair system component; minus strand). Cytogenetic location: 7p22.1.
Variant type: single nucleotide variant.
Coding change: c.2186T>A on transcript NM_000535.7 (MANE Select); coding-DNA position 2186, T replaced by A.
Protein change: p.Leu729His; replaces leucine 729 with histidine.
Molecular consequence: missense variant. On other transcripts: non-coding transcript variant (1), intron variant (2).
Genome position (GRCh38, 1-based): chr7:5,978,685, A>T on the plus strand (T>A on the coding strand, the complement: PMS2 is on the minus strand). VCF-style: chr7-5978685-A-T. GRCh37 (hg19) VCF-style: chr7-6018316-A-T.
Other names: c.1700T>A, p.Leu567His (NM_001406903.1); c.1673T>A, p.Leu558His (NM_001406904.1, NM_001406905.1); c.1625T>A, p.Leu542His (NM_001406906.1, NM_001406907.1, NM_001322010.2); c.1613T>A, p.Leu538His (NM_001406908.1, NM_001406909.1, NM_001322013.2); c.1415T>A, p.Leu472His (NM_001406911.1); c.983T>A, p.Leu328His (NM_001406912.1); c.1602-971T>A (NM_001406910.1); c.2175-971T>A (NM_001406871.1); and 16 more; short protein forms L538H, L607H, L617H, L626H, L558H, L574H, L621H, L663H.
Identifiers: ClinVar variation 3308096 (VCV003308096.1).
Genomic context (GRCh38, chr7:5,978,685, plus strand): 5'-TTCTTTCTAAATATTTCCAGATTTTCTATCAGAACAGCTTCATTAACAGCAGTTAAGTTG[A>T]GAGTCTGAGGTCTGAAAAACACAAAAATGATTCAAACCATATCCTGAAGTCAAACATTTA-3'
Protein context (NP_000526.2, residues 719-739): QGQRLIAPQT[Leu729His]NLTAVNEAVL